The following is an entry in ClinVar:

ClinVar aggregate classification (germline): Uncertain significance (1 of 4 stars; one submission).

Submission:

Labcorp Genetics (formerly Invitae), Labcorp
Classification: Uncertain significance. Last evaluated: 2024-11-16. Review status: criteria provided, single submitter. Criteria: Invitae Variant Classification Sherloc (09022015). Collection method: clinical testing. Allele origin: germline.
Comment: This sequence change replaces arginine, which is basic and polar, with histidine, which is basic and polar, at codon 381 of the TRPC3 protein (p.Arg381His). This variant is present in population databases (rs201312365, gnomAD 0.004%). This variant has not been reported in the literature in individuals affected with TRPC3-related conditions. Invitae Evidence Modeling of protein sequence and biophysical properties (such as structural, functional, and spatial information, amino acid conservation, physicochemical variation, residue mobility, and thermodynamic stability) indicates that this missense variant is expected to disrupt TRPC3 protein function with a positive predictive value of 80%. In summary, the available evidence is currently insufficient to determine the role of this variant in disease. Therefore, it has been classified as a Variant of Uncertain Significance.

NM_001130698.2(TRPC3):c.1142G>A (p.Arg381His)

Gene: TRPC3 (transient receptor potential cation channel subfamily C member 3; minus strand). Cytogenetic location: 4q27.
Variant type: single nucleotide variant.
Coding change: c.1142G>A on transcript NM_001130698.2 (MANE Select); coding-DNA position 1142, G replaced by A.
Protein change: p.Arg381His; replaces arginine 381 with histidine.
Molecular consequence: missense variant.
Genome position (GRCh38, 1-based): chr4:121,925,052, C>T on the plus strand (G>A on the coding strand, the complement: TRPC3 is on the minus strand). VCF-style: chr4-121925052-C-T. GRCh37 (hg19) VCF-style: chr4-122846207-C-T.
Other names: c.1142G>A, p.Arg381His (NM_001366479.2); c.923G>A, p.Arg308His (NM_003305.2); short protein forms R308H, R381H.
Identifiers: ClinVar variation 3627221 (VCV003627221.2).